The following is an entry in ClinVar:

NM_018127.7(ELAC2):c.870+4A>T

Gene: ELAC2 (elaC ribonuclease Z 2; minus strand). Cytogenetic location: 17p12.
Variant type: single nucleotide variant.
Coding change: c.870+4A>T on transcript NM_018127.7 (MANE Select); 4 bases into the intron after coding-DNA position 870, A replaced by T.
Molecular consequence: intron variant.
Genome position (GRCh38, 1-based): chr17:13,005,749, T>A on the plus strand (A>T on the coding strand, the complement: ELAC2 is on the minus strand). VCF-style: chr17-13005749-T-A. GRCh37 (hg19) VCF-style: chr17-12909066-T-A.
Other names: c.750+4A>T (NM_001165962.2); c.870+4A>T (NM_173717.2).
Identifiers: ClinVar variation 2289589 (VCV002289589.2), dbSNP rs776280226, ClinGen allele CA8401462.

ClinVar aggregate classification (germline): Uncertain significance (1 of 4 stars; one submission).

Conditions:
Inborn genetic diseases. Identifiers: MedGen C0950123, MeSH D030342.

Allele frequency attached by ClinVar (database versions not stated): ExAC 0.00001; gnomAD 0.00001; gnomAD exomes 0.00001.
gnomAD v4.1: 4 of 1,613,994 alleles (0.00025%); highest among the groups gnomAD compares: East Asian, 0.0089%; no homozygotes.

Submission:

Ambry Genetics
Classification: Uncertain significance for Inborn genetic diseases. Last evaluated: 2022-06-21. Review status: criteria provided, single submitter. Criteria: Ambry Variant Classification Scheme 2023. Collection method: clinical testing. Allele origin: germline.
Comment: The c.870+4A>T intronic alteration consists of a A to T substitution nucleotides after coding exon 10 in the ELAC2 gene. Based on insufficient or conflicting evidence, the clinical significance of this alteration remains unclear.